The following is an entry in ClinVar:

ClinVar aggregate classification (germline): Uncertain significance (1 of 4 stars; one submission).

Allele frequency attached by ClinVar (database versions not stated): TOPMed below 0.00001; gnomAD 0.00001.
gnomAD v4.1: 1 of 1,612,882 alleles (0.000062%); highest among the groups gnomAD compares: African/African-American, 0.0013%; no homozygotes.

Submission:

Labcorp Genetics (formerly Invitae), Labcorp
Classification: Uncertain significance. Last evaluated: 2021-10-18. Review status: criteria provided, single submitter. Criteria: Invitae Variant Classification Sherloc (09022015). Collection method: clinical testing. Allele origin: germline.
Comment: This sequence change replaces cysteine with arginine at codon 293 of the COQ8B protein (p.Cys293Arg). The cysteine residue is moderately conserved and there is a large physicochemical difference between cysteine and arginine. In summary, the available evidence is currently insufficient to determine the role of this variant in disease. Therefore, it has been classified as a Variant of Uncertain Significance. Advanced modeling of protein sequence and biophysical properties (such as structural, functional, and spatial information, amino acid conservation, physicochemical variation, residue mobility, and thermodynamic stability) performed at Invitae indicates that this missense variant is not expected to disrupt COQ8B protein function. This variant has not been reported in the literature in individuals affected with COQ8B-related conditions. This variant is not present in population databases (ExAC no frequency).

NM_024876.4(COQ8B):c.877T>C (p.Cys293Arg)

Gene: COQ8B (coenzyme Q8B; minus strand). Cytogenetic location: 19q13.2.
Variant type: single nucleotide variant.
Coding change: c.877T>C on transcript NM_024876.4 (MANE Select); coding-DNA position 877, T replaced by C.
Protein change: p.Cys293Arg; replaces cysteine 293 with arginine.
Molecular consequence: missense variant.
Genome position (GRCh38, 1-based): chr19:40,702,616, A>G on the plus strand (T>C on the coding strand, the complement: COQ8B is on the minus strand). VCF-style: chr19-40702616-A-G. GRCh37 (hg19) VCF-style: chr19-41208521-A-G.
Other names: c.754T>C, p.Cys252Arg (NM_001142555.3); short protein forms C252R, C293R.
Identifiers: ClinVar variation 1479180 (VCV001479180.6), dbSNP rs1473257164, ClinGen allele CA405961637.
Genomic context (GRCh38, chr19:40,702,616, plus strand): 5'-CCTGGGAGGGAGGGAAGGAGGGAAGCTCAGGGCACTCAGCTCACCTGAAATTCTGGGCAC[A>G]AGCCGCCTCACGACGGTAGTCACACTCCCAAGCCAGCTCCTGCTGCAAGGCCTGCAGGCT-3'
Protein context (NP_079152.3, residues 283-303): WECDYRREAA[Cys293Arg]AQNFRQLLAN